The following is an entry in ClinVar:

ClinVar aggregate classification (germline): Uncertain significance (1 of 4 stars; one submission).

Conditions:
Aortic valve disease 2 (AOVD2). Identifiers: MedGen C3542024, MONDO:0013902, OMIM 614823.

Allele frequency attached by ClinVar (database versions not stated): gnomAD 0.00001.
gnomAD v4.1: 2 of 1,604,124 alleles (0.00012%); highest among the groups gnomAD compares: Non-Finnish European, 0.00017%; no homozygotes.

Submission:

Labcorp Genetics (formerly Invitae), Labcorp
Classification: Uncertain significance for Aortic valve disease 2. Last evaluated: 2022-08-13. Review status: criteria provided, single submitter. Criteria: Invitae Variant Classification Sherloc (09022015). Collection method: clinical testing. Allele origin: germline.
Comment: In summary, the available evidence is currently insufficient to determine the role of this variant in disease. Therefore, it has been classified as a Variant of Uncertain Significance. Algorithms developed to predict the effect of missense changes on protein structure and function are either unavailable or do not agree on the potential impact of this missense change (SIFT: "Tolerated"; PolyPhen-2: "Probably Damaging"; Align-GVGD: "Class C0"). This variant has not been reported in the literature in individuals affected with SMAD6-related conditions. The frequency data for this variant in the population databases is considered unreliable, as metrics indicate poor data quality at this position in the gnomAD database. This sequence change replaces threonine, which is neutral and polar, with alanine, which is neutral and non-polar, at codon 341 of the SMAD6 protein (p.Thr341Ala).

NM_005585.5(SMAD6):c.1021A>G (p.Thr341Ala)

Gene: SMAD6 (SMAD family member 6; plus strand). Cytogenetic location: 15q22.31.
Variant type: single nucleotide variant.
Coding change: c.1021A>G on transcript NM_005585.5 (MANE Select); coding-DNA position 1021, A replaced by G.
Protein change: p.Thr341Ala; replaces threonine 341 with alanine.
Molecular consequence: missense variant. On other transcripts: non-coding transcript variant (1).
Genome position (GRCh38, 1-based): chr15:66,781,065, A>G. VCF-style: chr15-66781065-A-G. GRCh37 (hg19) VCF-style: chr15-67073403-A-G.
Other names: short protein forms T341A.
Identifiers: ClinVar variation 1942751 (VCV001942751.5), dbSNP rs1331154068, ClinGen allele CA393201696.